The following is an entry in ClinVar:

NM_018699.4(PRDM5):c.1036C>T (p.Arg346Ter)

Gene: PRDM5 (PR/SET domain 5; minus strand). Cytogenetic location: 4q27.
Variant type: single nucleotide variant.
Coding change: c.1036C>T on transcript NM_018699.4 (MANE Select); coding-DNA position 1036, C replaced by T.
Protein change: p.Arg346Ter; replaces arginine 346 with a stop codon.
Molecular consequence: nonsense.
Genome position (GRCh38, 1-based): chr4:120,798,419, G>A on the plus strand (C>T on the coding strand, the complement: PRDM5 is on the minus strand). VCF-style: chr4-120798419-G-A. GRCh37 (hg19) VCF-style: chr4-121719574-G-A.
Other names: c.943C>T, p.Arg315Ter (NM_001300823.2, NM_001300824.2, NM_001379106.1); c.1069C>T, p.Arg357Ter (NM_001379104.1); short protein forms R315*, R346*, R357*.
Identifiers: ClinVar variation 2627792 (VCV002627792.4), dbSNP rs755676779, ClinGen allele CA3061165.

ClinVar aggregate classification (germline): Pathogenic. Review status: criteria provided, multiple submitters, no conflicts (2 of 4 stars). 2 submissions from 2 submitters: Pathogenic (2). Last evaluated 2024-08-31.

Conditions:
Brittle cornea syndrome 2 (BCS2). Identifiers: Orphanet 90354, MedGen C3280011, MONDO:0013605, OMIM 614170.

Allele frequency attached by ClinVar (database versions not stated): TOPMed below 0.00001; ExAC 0.00003.
gnomAD v4.1: 12 of 1,600,676 alleles (0.00075%); highest among the groups gnomAD compares: East Asian, 0.0022%; no homozygotes.

Submissions (2):

Labcorp Genetics (formerly Invitae), Labcorp
Classification: Pathogenic. Last evaluated: 2024-08-31. Review status: criteria provided, single submitter. Criteria: Invitae Variant Classification Sherloc (09022015). Collection method: clinical testing. Allele origin: germline.
Comment: This sequence change creates a premature translational stop signal (p.Arg346*) in the PRDM5 gene. It is expected to result in an absent or disrupted protein product. Loss-of-function variants in PRDM5 are known to be pathogenic (PMID: 21664999, 26395458). This variant is present in population databases (rs755676779, gnomAD 0.006%). This premature translational stop signal has been observed in individual(s) with clinical features of brittle cornea syndrome (PMID: 31829210). ClinVar contains an entry for this variant (Variation ID: 2627792). Algorithms developed to predict the effect of sequence changes on RNA splicing suggest that this variant may disrupt the consensus splice site. For these reasons, this variant has been classified as Pathogenic.

Kasturba Medical College, Manipal, Kasturba Medical College, Manipal, Manipal Academy of Higher Education, Manipal, India
Classification: Pathogenic for Brittle cornea syndrome 2. Review status: criteria provided, single submitter. Criteria: ACMG Guidelines, 2015. Collection method: clinical testing. Allele origin: unknown. Inheritance: Autosomal recessive inheritance. Affected: yes. Observed: 1 homozygote.

Literature cited by the submitters: PubMed 21664999 (cited by Labcorp Genetics (formerly Invitae), Labcorp); PubMed 26395458 (cited by Labcorp Genetics (formerly Invitae), Labcorp); PubMed 31829210 (cited by Labcorp Genetics (formerly Invitae), Labcorp); DOI 10.1002/humu.24199 (cited by Kasturba Medical College, Manipal, Kasturba Medical College, Manipal, Manipal Academy of Higher Education, Manipal, India).